The following is an entry in ClinVar:

ClinVar aggregate classification (germline): Likely benign (0 of 4 stars; one submission).

Conditions:
MYH9-related disorder. Identifiers: MedGen C1854520.

Allele frequency attached by ClinVar (database versions not stated): gnomAD 0.00001; TOPMed 0.00001.
gnomAD v4.1: 4 of 1,614,000 alleles (0.00025%); highest among the groups gnomAD compares: African/African-American, 0.004%; no homozygotes.

Submission:

PreventionGenetics, part of Exact Sciences
Classification: Likely benign for MYH9-related condition. Last evaluated: 2021-12-28. Review status: no assertion criteria provided. Collection method: clinical testing. Allele origin: germline.
Comment: This variant is classified as likely benign based on ACMG/AMP sequence variant interpretation guidelines (Richards et al. 2015 PMID: 25741868, with internal and published modifications).

NM_002473.6(MYH9):c.1572T>A (p.Ile524=)

Gene: MYH9 (myosin heavy chain 9; minus strand). Cytogenetic location: 22q12.3.
Variant type: single nucleotide variant.
Coding change: c.1572T>A on transcript NM_002473.6 (MANE Select); coding-DNA position 1572, T replaced by A.
Protein change: p.Ile524=; no amino-acid change (isoleucine 524 retained).
Molecular consequence: synonymous variant.
Genome position (GRCh38, 1-based): chr22:36,312,205, A>T on the plus strand (T>A on the coding strand, the complement: MYH9 is on the minus strand). VCF-style: chr22-36312205-A-T. GRCh37 (hg19) VCF-style: chr22-36708250-A-T.
Identifiers: ClinVar variation 3061486 (VCV003061486.2), dbSNP rs965534536, ClinGen allele CA323604782.
Genomic context (GRCh38, chr22:36,312,205, plus strand): 5'-CTCCACGAAGCTCTTGTCGGTGGCTTTGGGGAACCAGCACTCCTCGTCCAGCAGGGCCAG[A>T]ATGCCCGGGGGGCCTGCCTGGAGGAAGCGCAGCATCAGCACAGGTGAGTGCACCCTGGGA-3'
Protein context (NP_002464.1, residues 514-534): LIEKPAGPPG[Ile524=]LALLDEECWF